The following is an entry in ClinVar:

NM_004855.5(PIGB):c.318G>A (p.Trp106Ter)

Gene: PIGB (phosphatidylinositol glycan anchor biosynthesis class B; plus strand). Cytogenetic location: 15q21.3.
Variant type: single nucleotide variant.
Coding change: c.318G>A on transcript NM_004855.5 (MANE Select); coding-DNA position 318, G replaced by A.
Protein change: p.Trp106Ter; replaces tryptophan 106 with a stop codon.
Molecular consequence: nonsense.
Genome position (GRCh38, 1-based): chr15:55,321,291, G>A. VCF-style: chr15-55321291-G-A. GRCh37 (hg19) VCF-style: chr15-55613489-G-A.
Other names: short protein forms W106*.
Identifiers: ClinVar variation 2869209 (VCV002869209.3), dbSNP rs2055157360, ClinGen allele CA392541516.

ClinVar aggregate classification (germline): Pathogenic (1 of 4 stars; one submission).

Allele frequency attached by ClinVar (database versions not stated): gnomAD exomes below 0.00001; TOPMed 0.00001.
gnomAD v4.1: 2 of 1,602,458 alleles (0.00012%); highest among the groups gnomAD compares: Admixed American, 0.0034%; no homozygotes.

Submission:

Labcorp Genetics (formerly Invitae), Labcorp
Classification: Pathogenic. Last evaluated: 2024-05-15. Review status: criteria provided, single submitter. Criteria: Invitae Variant Classification Sherloc (09022015). Collection method: clinical testing. Allele origin: germline.
Comment: This sequence change creates a premature translational stop signal (p.Trp106*) in the PIGB gene. It is expected to result in an absent or disrupted protein product. Loss-of-function variants in PIGB are known to be pathogenic (PMID: 31256876, 34400385). This variant is not present in population databases (gnomAD no frequency). This variant has not been reported in the literature in individuals affected with PIGB-related conditions. For these reasons, this variant has been classified as Pathogenic.

Literature cited by the submitters: PubMed 31256876; PubMed 34400385.